The following is an entry in ClinVar:

NM_014112.5(TRPS1):c.24G>A (p.Gly8=)

Gene: TRPS1 (transcriptional repressor GATA binding 1; minus strand). Cytogenetic location: 8q23.3.
Variant type: single nucleotide variant.
Coding change: c.24G>A on transcript NM_014112.5 (MANE Select); coding-DNA position 24, G replaced by A.
Protein change: p.Gly8=; no amino-acid change (glycine 8 retained).
Molecular consequence: synonymous variant. On other transcripts: intron variant (2), splice donor variant (1).
Genome position (GRCh38, 1-based): chr8:115,623,614, C>T on the plus strand (G>A on the coding strand, the complement: TRPS1 is on the minus strand). VCF-style: chr8-115623614-C-T. GRCh37 (hg19) VCF-style: chr8-116635841-C-T.
Other names: c.-2-3554G>A (NM_001330599.2); c.16+1G>A (NM_001282903.3); c.11-3554G>A (NM_001282902.3).
Identifiers: ClinVar variation 1723585 (VCV001723585.2), dbSNP rs1818444668, ClinGen allele CA462632106.
Genomic context (GRCh38, chr8:115,623,614, plus strand): 5'-AGAACTTTTCCAGTTAACATTTTCACTTGAAAAAATAGATCACATACTTGTAAAATCATA[C>T]CCAGCATTGACTTCATAAGGCATGTGGCTTTAGAGTGCTTTTTACAATTATTAATTCTAT-3'
Protein context (NP_054831.2, residues 1-18): MPYEVNA[Gly8=]YDFTNMVRKK

ClinVar aggregate classification (germline): Uncertain significance (1 of 4 stars; one submission).

Submission:

GeneDx
Classification: Uncertain significance. Last evaluated: 2022-05-09. Review status: criteria provided, single submitter. Criteria: GeneDx Variant Classification Process June 2021. Collection method: clinical testing. Allele origin: germline. Affected: yes.
Comment: Has not been previously published as pathogenic or benign to our knowledge; Not observed at significant frequency in large population cohorts (gnomAD); In silico analysis supports that this variant does not alter splicing